The following is an entry in ClinVar:

NM_017802.4(DNAAF5):c.515G>A (p.Arg172His)

Genes: DNAAF5 (dynein axonemal assembly factor 5; plus strand), PRKAR1B (protein kinase cAMP-dependent type I regulatory subunit beta; minus strand), LOC129997731 (ATAC-STARR-seq lymphoblastoid silent region 17817; plus strand). Cytogenetic location: 7p22.3.
Variant type: single nucleotide variant.
Coding change: c.515G>A on transcript NM_017802.4 (MANE Select); coding-DNA position 515, G replaced by A.
Protein change: p.Arg172His; replaces arginine 172 with histidine.
Molecular consequence: missense variant. On other transcripts: non-coding transcript variant (1), 5 prime UTR variant (1), intron variant (2).
Genome position (GRCh38, 1-based): chr7:727,235, G>A. VCF-style: chr7-727235-G-A. GRCh37 (hg19) VCF-style: chr7-766872-G-A.
Other names: c.-48C>T (NM_001164760.2); c.-23+420C>T (NM_001164759.1); c.-23+355C>T (NM_001164758.2); short protein forms R172H.
Identifiers: ClinVar variation 653739 (VCV000653739.23), dbSNP rs1337262848, ClinGen allele CA366530901.

ClinVar aggregate classification (germline): Uncertain significance. Review status: criteria provided, multiple submitters, no conflicts (2 of 4 stars). 2 submissions from 2 submitters: Uncertain significance (2). Last evaluated 2025-02-27.

Conditions:
Primary ciliary dyskinesia. Also called: Ciliary dyskinesia. Identifiers: Orphanet 244, MedGen C0008780, MONDO:0016575, HP:0012265.

Allele frequency attached by ClinVar (database versions not stated): TOPMed 0.00001; gnomAD 0.00002 and 0.00004; gnomAD exomes 0.00002; 1000 Genomes Project 30x 0.00016.
gnomAD v4.1: 38 of 1,359,016 alleles (0.0028%); highest among the groups gnomAD compares: African/African-American, 0.031%; no homozygotes.

Submissions (2):

Ambry Genetics
Classification: Uncertain significance for Primary ciliary dyskinesia. Last evaluated: 2025-02-27. Review status: criteria provided, single submitter. Criteria: Ambry Variant Classification Scheme 2023. Collection method: clinical testing. Allele origin: germline.

Labcorp Genetics (formerly Invitae), Labcorp
Classification: Uncertain significance for Primary ciliary dyskinesia. Last evaluated: 2024-12-16. Review status: criteria provided, single submitter. Criteria: Invitae Variant Classification Sherloc (09022015). Collection method: clinical testing. Allele origin: germline.
Comment: This sequence change replaces arginine, which is basic and polar, with histidine, which is basic and polar, at codon 172 of the DNAAF5 protein (p.Arg172His). This variant is present in population databases (no rsID available, gnomAD 0.01%). This variant has not been reported in the literature in individuals affected with DNAAF5-related conditions. ClinVar contains an entry for this variant (Variation ID: 653739). Invitae Evidence Modeling of protein sequence and biophysical properties (such as structural, functional, and spatial information, amino acid conservation, physicochemical variation, residue mobility, and thermodynamic stability) indicates that this missense variant is expected to disrupt DNAAF5 protein function with a positive predictive value of 80%. In summary, the available evidence is currently insufficient to determine the role of this variant in disease. Therefore, it has been classified as a Variant of Uncertain Significance.